The following is an entry in ClinVar:

ClinVar aggregate classification (germline): Uncertain significance. Review status: criteria provided, multiple submitters, no conflicts (2 of 4 stars). 3 submissions from 3 submitters: Uncertain significance (3). Last evaluated 2025-03-04.

Conditions:
Gorlin syndrome. Also called: Nevoid Basal Cell Carcinoma Syndrome; Basal cell nevus syndrome. Identifiers: Orphanet 377, MedGen C0004779, MONDO:0007187.
Medulloblastoma (MDB). Also called: MEDULLOBLASTOMA PREDISPOSITION SYNDROME; Medulloblastoma, somatic. Identifiers: Orphanet 616, MedGen C0025149, MeSH D008527, MONDO:0007959, OMIM 155255, HP:0002885.
Hereditary cancer-predisposing syndrome. Also called: Neoplastic Syndromes, Hereditary; Tumor predisposition; Hereditary Cancer Syndrome; Hereditary neoplastic syndrome. Identifiers: Orphanet 140162, MedGen C0027672, MeSH D009386, MONDO:0015356.

Allele frequency attached by ClinVar (database versions not stated): TOPMed below 0.00001; gnomAD 0.00001.
gnomAD v4.1: 1 of 1,545,218 alleles (0.000065%); highest among the groups gnomAD compares: Non-Finnish European, 0.000087%; no homozygotes.

Submissions (3):

Center for Genomic Medicine, Rigshospitalet, Copenhagen University Hospital
Classification: Uncertain significance. Last evaluated: 2025-03-04. Review status: criteria provided, single submitter. Criteria: ACMG Guidelines, 2015. Collection method: clinical testing. Allele origin: germline.

Labcorp Genetics (formerly Invitae), Labcorp
Classification: Uncertain significance for Gorlin syndrome; Medulloblastoma. Last evaluated: 2023-10-22. Review status: criteria provided, single submitter. Criteria: Invitae Variant Classification Sherloc (09022015). Collection method: clinical testing. Allele origin: germline.
Comment: This sequence change replaces leucine, which is neutral and non-polar, with arginine, which is basic and polar, at codon 4 of the SUFU protein (p.Leu4Arg). This variant is not present in population databases (gnomAD no frequency). This variant has not been reported in the literature in individuals affected with SUFU-related conditions. ClinVar contains an entry for this variant (Variation ID: 1747226). An algorithm developed to predict the effect of missense changes on protein structure and function (PolyPhen-2) suggests that this variant is likely to be disruptive. In summary, the available evidence is currently insufficient to determine the role of this variant in disease. Therefore, it has been classified as a Variant of Uncertain Significance.

Ambry Genetics
Classification: Uncertain significance for Hereditary cancer-predisposing syndrome. Last evaluated: 2023-02-02. Review status: criteria provided, single submitter. Criteria: Ambry Variant Classification Scheme 2023. Collection method: clinical testing. Allele origin: germline.
Comment: The p.L4R variant (also known as c.11T>G), located in coding exon 1 of the SUFU gene, results from a T to G substitution at nucleotide position 11. The leucine at codon 4 is replaced by arginine, an amino acid with dissimilar properties. This amino acid position is well conserved in available vertebrate species. In addition, this alteration is predicted to be tolerated by in silico analysis. Since supporting evidence is limited at this time, the clinical significance of this alteration remains unclear.

NM_016169.4(SUFU):c.11T>G (p.Leu4Arg)

Genes: SUFU (SUFU negative regulator of hedgehog signaling; plus strand), LOC130004614 (ATAC-STARR-seq lymphoblastoid silent region 2764; plus strand). Cytogenetic location: 10q24.32.
Variant type: single nucleotide variant.
Coding change: c.11T>G on transcript NM_016169.4 (MANE Select); coding-DNA position 11, T replaced by G.
Protein change: p.Leu4Arg; replaces leucine 4 with arginine.
Molecular consequence: missense variant.
Genome position (GRCh38, 1-based): chr10:102,504,163, T>G. VCF-style: chr10-102504163-T-G. GRCh37 (hg19) VCF-style: chr10-104263920-T-G.
Other names: c.11T>G, p.Leu4Arg (NM_001178133.2); short protein forms L4R.
Identifiers: ClinVar variation 1747226 (VCV001747226.7), dbSNP rs1297525468, ClinGen allele CA377886058.